The following is an entry in ClinVar:

NM_000548.5(TSC2):c.4287C>T (p.Ala1429=)

Gene: TSC2 (TSC complex subunit 2; plus strand). Cytogenetic location: 16p13.3.
Variant type: single nucleotide variant.
Coding change: c.4287C>T on transcript NM_000548.5 (MANE Select); coding-DNA position 4287, C replaced by T.
Protein change: p.Ala1429=; no amino-acid change (alanine 1429 retained).
Molecular consequence: synonymous variant.
Genome position (GRCh38, 1-based): chr16:2,084,509, C>T. VCF-style: chr16-2084509-C-T. GRCh37 (hg19) VCF-style: chr16-2134510-C-T.
Other names: c.4287C>T (NM_000548.3); c.4086C>T, p.Ala1362= (NM_001077183.3); c.4218C>T, p.Ala1406= (NM_001114382.3); c.3978C>T, p.Ala1326= (NM_001318827.2); c.3942C>T, p.Ala1314= (NM_001318829.2); c.3555C>T, p.Ala1185= (NM_001318831.2); c.4119C>T, p.Ala1373= (NM_001318832.2); c.4089C>T, p.Ala1363= (NM_001363528.2); and 2 more.
Identifiers: ClinVar variation 1120825 (VCV001120825.11), dbSNP rs2151531120, ClinGen allele CA493043415.

ClinVar aggregate classification (germline): Benign/Likely benign. Review status: criteria provided, multiple submitters, no conflicts (2 of 4 stars). 3 submissions from 3 submitters: Benign (1); Likely benign (2). Last evaluated 2025-12-30.

Conditions:
Hereditary cancer-predisposing syndrome. Also called: Neoplastic Syndromes, Hereditary; Hereditary Cancer Syndrome; Hereditary neoplastic syndrome; Tumor predisposition. Identifiers: Orphanet 140162, MedGen C0027672, MeSH D009386, MONDO:0015356.
Tuberous sclerosis 2 (TSC2). Identifiers: Orphanet 805, MedGen C1860707, MONDO:0013199, OMIM 613254.

gnomAD v4.1: 1 of 1,609,260 alleles (0.000062%); highest among the groups gnomAD compares: Non-Finnish European, 0.000085%; no homozygotes.

Submissions (3):

Labcorp Genetics (formerly Invitae), Labcorp
Classification: Likely benign for Tuberous sclerosis 2. Last evaluated: 2025-12-30. Review status: criteria provided, single submitter. Criteria: Invitae Variant Classification Sherloc (09022015). Collection method: clinical testing. Allele origin: germline.

Myriad Genetics, Inc.
Classification: Benign for Tuberous sclerosis 2. Last evaluated: 2025-06-03. Review status: criteria provided, single submitter. Criteria: Myriad Autosomal Dominant, Autosomal Recessive and X-Linked Classification Criteria (2023). Collection method: clinical testing. Allele origin: unknown.
Comment: This variant is considered benign. This variant is a silent/synonymous amino acid change and it is not expected to impact splicing.

Ambry Genetics
Classification: Likely benign for Hereditary cancer-predisposing syndrome. Last evaluated: 2024-01-14. Review status: criteria provided, single submitter. Criteria: Ambry Variant Classification Scheme 2023. Collection method: clinical testing. Allele origin: germline.